The following is an entry in ClinVar:

NM_001379403.1(WDR26):c.333_362del (p.Gly116_Gly125del)

Gene: WDR26 (WD repeat domain 26; minus strand). Cytogenetic location: 1q42.12.
Variant type: Deletion.
Coding change: c.333_362del on transcript NM_001379403.1 (MANE Select); coding-DNA positions 333 to 362, 30 bases deleted (AGGTGGCGGCGGCGGCGGTGGAGGAGGAGG).
Protein change: p.Gly116_Gly125del.
Genome position (GRCh38, 1-based): chr1:224,434,044-224,434,073, CCTCCTCCTCCACCGCCGCCGCCGCCACCT deleted on the plus strand (AGGTGGCGGCGGCGGCGGTGGAGGAGGAGG on the coding strand, the reverse complement: WDR26 is on the minus strand); deleting any 30 consecutive bases within chr1:224,434,044-224,434,084 gives the same sequence; the c. name uses the placement nearest the transcript's 3' end. VCF-style (leftmost placement, unchanged base first): chr1-224434043-CCCTCCTCCTCCACCGCCGCCGCCGCCACCT-C. GRCh37 (hg19) VCF-style: chr1-224621745-CCCTCCTCCTCCACCGCCGCCGCCGCCACCT-C.
Other names: c.33_62del, p.Gly16_Gly25del (NM_001115113.3, NM_025160.7).
Identifiers: ClinVar variation 4278414 (VCV004278414.4).
Genomic context (GRCh38, chr1:224,434,043, plus strand): 5'-CTCCCCGTTCTGGGCCGACAAGCAGGCGAGTTCCGGGGTCTGTCCCTGGCCCCCGCCGCC[CCCTCCTCCTCCACCGCCGCCGCCGCCACCT>C]CCTCCTCCTCCTCCTGCCCCATTGGCCTGCATGATGCTGCCGCTGACCAGGCTGTGGCCG-3'

ClinVar aggregate classification (germline): Conflicting classifications of pathogenicity. Review status: criteria provided, conflicting classifications (1 of 4 stars). 3 submissions from 3 submitters: Uncertain significance (2); Likely benign (1). Last evaluated 2025-09-10.

Conditions:
Skraban-Deardorff syndrome. Also called: INTELLECTUAL DISABILITY WITH SEIZURES, ABNORMAL GAIT, AND DISTINCTIVE FACIAL FEATURES; WDR26-Related Intellectual Disability. Identifiers: Orphanet 513456, MedGen C4539927, MONDO:0054636, OMIM 617616.

Submissions (3):

Genomic Medicine Center of Excellence, King Faisal Specialist Hospital and Research Centre
Classification: Uncertain significance for Skraban-Deardorff syndrome. Last evaluated: 2025-09-10. Review status: criteria provided, single submitter. Criteria: ACMG Guidelines, 2015. Collection method: clinical testing. Allele origin: germline.

Dasa
Classification: Uncertain significance. Last evaluated: 2025-08-11. Review status: criteria provided, single submitter. Criteria: DASA Assertion Criteria. Collection method: clinical testing. Allele origin: germline.
Comment: NM_001379403.1(WDR26):c.333_362del (p.Gly116_Gly125del) is an in-frame deletion predicted to remove amino acids from glycine at protein position 116 through glycine at protein position 125 without shifting the reading frame. This variant is rare in population databases. The currently available literature and clinical evidence are not sufficient to establish a definitive association between this variant and the reported condition. Therefore, this variant is classified as a variant of uncertain significance.

Blueprint Genetics
Classification: Likely benign. Last evaluated: 2024-09-05. Review status: criteria provided, single submitter. Criteria: ACMG Guidelines, 2015. Collection method: clinical testing. Allele origin: germline.